The following is an entry in ClinVar:

ClinVar aggregate classification (germline): Uncertain significance (1 of 4 stars; one submission).

Conditions:
Multiple congenital exostosis (EXT). Also called: Multiple exostoses; Hereditary multiple osteochondromas; Hereditary multiple exostoses; Hereditary multiple exostosis; Multiple osteochondromas; MULTIPLE CARTILAGINOUS EXOSTOSES. Identifiers: Orphanet 321, MedGen C0015306, MONDO:0005508, HP:0002762.

Submission:

Labcorp Genetics (formerly Invitae), Labcorp
Classification: Uncertain significance for Multiple congenital exostosis. Last evaluated: 2019-08-13. Review status: criteria provided, single submitter. Criteria: Invitae Variant Classification Sherloc (09022015). Collection method: clinical testing. Allele origin: germline.
Comment: Algorithms developed to predict the effect of sequence changes on RNA splicing suggest that this variant may disrupt the consensus splice site, but this prediction has not been confirmed by published transcriptional studies. In summary, the available evidence is currently insufficient to determine the role of this variant in disease. Therefore, it has been classified as a Variant of Uncertain Significance. This variant is not present in population databases (ExAC no frequency). This sequence change falls in intron 3 of the EXT1 gene. It does not directly change the encoded amino acid sequence of the EXT1 protein.

NM_000127.3(EXT1):c.1165-6T>G

Gene: EXT1 (exostosin glycosyltransferase 1; minus strand). Cytogenetic location: 8q24.11.
Variant type: single nucleotide variant.
Coding change: c.1165-6T>G on transcript NM_000127.3 (MANE Select); 6 bases into the intron before coding-DNA position 1165, T replaced by G.
Molecular consequence: intron variant.
Genome position (GRCh38, 1-based): chr8:117,830,355, A>C on the plus strand (T>G on the coding strand, the complement: EXT1 is on the minus strand). VCF-style: chr8-117830355-A-C. GRCh37 (hg19) VCF-style: chr8-118842594-A-C.
Identifiers: ClinVar variation 957093 (VCV000957093.9), dbSNP rs1812078551, ClinGen allele CA1139660734.
Genomic context (GRCh38, chr8:117,830,355, plus strand): 5'-GCTGTCTAAGTGCTAGGATTTTATCCTGATGAATAGACCTGATTGTAGAAGGAATCTGTA[A>C]CACAAGGTGAACACATAGGAATTATAACTGTAAAACAAAGAGATGCACTTGATCAAAATA-3'